The following is an entry in ClinVar:

ClinVar aggregate classification (germline): Uncertain significance. Review status: criteria provided, multiple submitters, no conflicts (2 of 4 stars). 3 submissions from 3 submitters: Uncertain significance (3). Last evaluated 2026-03-16.

Conditions:
EPCAM-related disorder. Also called: EPCAM-related condition.
Hereditary cancer-predisposing syndrome. Also called: Neoplastic Syndromes, Hereditary; Tumor predisposition; Hereditary neoplastic syndrome; Hereditary Cancer Syndrome. Identifiers: Orphanet 140162, MedGen C0027672, MeSH D009386, MONDO:0015356.

Allele frequency attached by ClinVar (database versions not stated): TOPMed 0.00001; gnomAD 0.00006.

Submissions (3):

PreventionGenetics, part of Exact Sciences
Classification: Uncertain significance for EPCAM-related condition. Last evaluated: 2026-03-16. Review status: criteria provided, single submitter. Criteria: ACMG Guidelines, 2015. Collection method: clinical testing. Allele origin: germline.
Comment: The EPCAM c.392C>A variant is predicted to result in the amino acid substitution p.Thr131Asn. To our knowledge, this variant has not been reported in the literature. This variant is reported in 0.0056% of alleles in individuals of Latino descent in gnomAD and is interpreted as uncertain in ClinVar (Variation ID: 188152). At this time, the clinical significance of this variant is uncertain due to the absence of conclusive functional and genetic evidence.

Labcorp Genetics (formerly Invitae), Labcorp
Classification: Uncertain significance. Last evaluated: 2022-04-25. Review status: criteria provided, single submitter. Criteria: Invitae Variant Classification Sherloc (09022015). Collection method: clinical testing. Allele origin: germline.
Comment: In summary, the available evidence is currently insufficient to determine the role of this variant in disease. Therefore, it has been classified as a Variant of Uncertain Significance. Algorithms developed to predict the effect of missense changes on protein structure and function (SIFT, PolyPhen-2, Align-GVGD) all suggest that this variant is likely to be tolerated. ClinVar contains an entry for this variant (Variation ID: 188152). This variant has not been reported in the literature in individuals affected with EPCAM-related conditions. This variant is present in population databases (rs748892317, gnomAD 0.009%). This sequence change replaces threonine, which is neutral and polar, with asparagine, which is neutral and polar, at codon 131 of the EPCAM protein (p.Thr131Asn).

Ambry Genetics
Classification: Uncertain significance for Hereditary cancer-predisposing syndrome. Last evaluated: 2022-02-01. Review status: criteria provided, single submitter. Criteria: Ambry Variant Classification Scheme 2023. Collection method: clinical testing. Allele origin: germline.
Comment: The p.T131N variant (also known as c.392C>A), located in coding exon 3 of the EPCAM gene, results from a C to A substitution at nucleotide position 392. The threonine at codon 131 is replaced by asparagine, an amino acid with similar properties. This amino acid position is conserved. In addition, this alteration is predicted to be tolerated by in silico analysis. Since supporting evidence is limited at this time, the clinical significance of this alteration remains unclear.

NM_002354.3(EPCAM):c.392C>A (p.Thr131Asn)

Gene: EPCAM (epithelial cell adhesion molecule; plus strand). Cytogenetic location: 2p21.
Variant type: single nucleotide variant.
Coding change: c.392C>A on transcript NM_002354.3 (MANE Select); coding-DNA position 392, C replaced by A.
Protein change: p.Thr131Asn; replaces threonine 131 with asparagine.
Molecular consequence: missense variant.
Genome position (GRCh38, 1-based): chr2:47,374,015, C>A. VCF-style: chr2-47374015-C-A. GRCh37 (hg19) VCF-style: chr2-47601154-C-A.
Other names: short protein forms T131N.
Identifiers: ClinVar variation 188152 (VCV000188152.14), dbSNP rs748892317, ClinGen allele CA334182.
Genomic context (GRCh38, chr2:47,374,015, plus strand): 5'-ACGGCACCTCCATGTGCTGGTGTGTGAACACTGCTGGGGTCAGAAGAACAGACAAGGACA[C>A]TGAAATAACCTGCTCTGAGCGAGTGAGAACCTAGTGAGTGGGGCTGCCTATACTACTTGT-3'
Protein context (NP_002345.2, residues 121-141): TAGVRRTDKD[Thr131Asn]EITCSERVRT